The following is an entry in ClinVar:

ClinVar aggregate classification (germline): Conflicting classifications of pathogenicity. Review status: criteria provided, conflicting classifications (1 of 4 stars). 3 submissions from 3 submitters: Uncertain significance (1); Likely benign (2). Last evaluated 2023-06-01.

Conditions:
Cutis laxa with osteodystrophy (ARCL2A). Also called: CUTIS LAXA WITH CONGENITAL DISORDER OF GLYCOSYLATION; CUTIS LAXA, AUTOSOMAL RECESSIVE, TYPE IIA; CUTIS LAXA WITH BONE DYSTROPHY; CUTIS LAXA WITH GROWTH AND DEVELOPMENTAL DELAY; CUTIS LAXA WITH JOINT LAXITY AND RETARDED DEVELOPMENT; Autosomal recessive cutis laxa type 2A. Identifiers: Orphanet 357058, MedGen C0268355, MONDO:0018163, OMIM 219200. Disease mechanism: loss of function.

Allele frequency attached by ClinVar (database versions not stated): 1000 Genomes Project 30x 0.00125; 1000 Genomes Project 0.00160; TOPMed 0.00280; gnomAD 0.00595 and 0.00628; gnomAD exomes 0.00728.
gnomAD v4.1: 3,149 of 469,400 alleles (0.67%); highest among the groups gnomAD compares: Non-Finnish European, 0.67%; 42 homozygotes.

Submissions (3):

CeGaT Center for Human Genetics Tuebingen
Classification: Likely benign. Last evaluated: 2023-06-01. Review status: criteria provided, single submitter. Criteria: CeGaT Center For Human Genetics Tuebingen Variant Classification Criteria Version 2. Collection method: clinical testing. Allele origin: germline. Affected: yes. Observed: 4 variant alleles.
Comment: ATP6V0A2: BS2

GeneDx
Classification: Likely benign. Last evaluated: 2018-06-28. Review status: criteria provided, single submitter. Criteria: GeneDx Variant Classification Process June 2021. Collection method: clinical testing. Allele origin: germline. Affected: yes.

Illumina Laboratory Services, Illumina
Classification: Uncertain significance for Cutis laxa with osteodystrophy. Last evaluated: 2018-01-13. Review status: criteria provided, single submitter. Criteria: ICSL Variant Classification Criteria 13 December 2019. Collection method: clinical testing. Allele origin: germline.

NM_012463.4(ATP6V0A2):c.*191T>C

Gene: ATP6V0A2 (ATPase H+ transporting V0 subunit a2; plus strand). Cytogenetic location: 12q24.31.
Variant type: single nucleotide variant.
Coding change: c.*191T>C on transcript NM_012463.4 (MANE Select); 191 bases downstream of the stop codon, T replaced by C.
Molecular consequence: 3 prime UTR variant.
Genome position (GRCh38, 1-based): chr12:123,758,223, T>C. VCF-style: chr12-123758223-T-C. GRCh37 (hg19) VCF-style: chr12-124242770-T-C.
Identifiers: ClinVar variation 307601 (VCV000307601.37), dbSNP rs150408179, ClinGen allele CA10636731.